The following is an entry in ClinVar:

NM_000088.4(COL1A1):c.336_361dup (p.Gly121fs)

Gene: COL1A1 (collagen type I alpha 1 chain; minus strand). Cytogenetic location: 17q21.33.
Variant type: Duplication.
Coding change: c.336_361dup on transcript NM_000088.4 (MANE Select); coding-DNA positions 336 to 361, 26 bases duplicated (ACCCAAGGGAGACACTGGCCCCCGAG).
Protein change: p.Gly121fs; shifts the reading frame from glycine 121.
Molecular consequence: frameshift variant.
Genome position (GRCh38, 1-based): chr17:50,199,426-50,199,451, CTCGGGGGCCAGTGTCTCCCTTGGGT duplicated on the plus strand (ACCCAAGGGAGACACTGGCCCCCGAG on the coding strand, the reverse complement: COL1A1 is on the minus strand); duplicating any 26 consecutive bases within chr17:50,199,426-50,199,452 gives the same sequence; the c. name uses the placement nearest the transcript's 3' end. VCF-style (leftmost placement, unchanged base first): chr17-50199425-C-CCTCGGGGGCCAGTGTCTCCCTTGGGT. GRCh37 (hg19) VCF-style: chr17-48276786-C-CCTCGGGGGCCAGTGTCTCCCTTGGGT.
Other names: short protein forms G121fs.
Identifiers: ClinVar variation 3912059 (VCV003912059.1).

ClinVar aggregate classification (germline): Pathogenic (1 of 4 stars; one submission).

Conditions:
Osteogenesis imperfecta type I (OI1). Also called: OI, TYPE I; OSTEOGENESIS IMPERFECTA TARDA; OSTEOGENESIS IMPERFECTA WITH BLUE SCLERAE; Osteogenesis imperfecta type 1; Classic Non-deforming Osteogenesis Imperfecta with Blue Sclerae; Lobstein's Disease. Identifiers: Orphanet 216796, Orphanet 666, MedGen C0023931, MONDO:0008146, OMIM 166200. Disease mechanism: loss of function.

Submission:

Clinical Biomedical Laboratory, Shriners Hospital For Children - Canada
Classification: Pathogenic for Osteogenesis imperfecta type I. Last evaluated: 2025-06-18. Review status: criteria provided, single submitter. Criteria: ACMG Guidelines, 2015. Collection method: clinical testing. Allele origin: germline. Affected: yes.
Comment: This variant introduces a frameshift in COL1A1 and is expected to lead to premature termination codon, which results in degradation of the affected mRNA and halpoinsufficiency of the corresponding collagen type I alpha 1 chain. Heterozygous frameshift variants in COL1A1 are a typical cause of osteogenesis imperfecta type I.